The following is an entry in ClinVar:

ClinVar aggregate classification (germline): Conflicting classifications of pathogenicity. Review status: criteria provided, conflicting classifications (1 of 4 stars). 3 submissions from 3 submitters: Pathogenic (1); Uncertain significance (2). Last evaluated 2025-05-28.

Submissions (3):

Women's Health and Genetics/Laboratory Corporation of America, LabCorp
Classification: Uncertain significance. Last evaluated: 2025-05-28. Review status: criteria provided, single submitter. Criteria: LabCorp Variant Classification Summary - May 2015. Collection method: clinical testing. Allele origin: germline.
Comment: Variant summary: MYO7A c.3470T>A (p.Ile1157Asn) results in a non-conservative amino acid change in the encoded protein sequence. Algorithms developed to predict the effect of missense changes on protein structure and function all suggest that this variant is likely to be disruptive. The variant was absent in 223622 control chromosomes. c.3470T>A has been observed in at-least one homozygous individual affected with Usher Syndrome (example: Bonnet_2016). These data indicate that the variant may be associated with disease. To our knowledge, no experimental evidence demonstrating an impact on protein function has been reported. The following publications have been ascertained in the context of this evaluation (PMID: 27460420, 31479088). ClinVar contains an entry for this variant (Variation ID: 2580433). Based on the evidence outlined above, the variant was classified as VUS-possibly pathogenic.

Labcorp Genetics (formerly Invitae), Labcorp
Classification: Pathogenic. Last evaluated: 2023-10-30. Review status: criteria provided, single submitter. Criteria: Invitae Variant Classification Sherloc (09022015). Collection method: clinical testing. Allele origin: germline.
Comment: This sequence change replaces isoleucine, which is neutral and non-polar, with asparagine, which is neutral and polar, at codon 1157 of the MYO7A protein (p.Ile1157Asn). This variant is not present in population databases (gnomAD no frequency). This missense change has been observed in individual(s) with Usher syndrome (PMID: 27460420). ClinVar contains an entry for this variant (Variation ID: 2580433). Advanced modeling of protein sequence and biophysical properties (such as structural, functional, and spatial information, amino acid conservation, physicochemical variation, residue mobility, and thermodynamic stability) performed at Invitae indicates that this missense variant is expected to disrupt MYO7A protein function with a positive predictive value of 95%. For these reasons, this variant has been classified as Pathogenic.

GeneDx
Classification: Uncertain significance. Last evaluated: 2023-03-23. Review status: criteria provided, single submitter. Criteria: GeneDx Variant Classification Process June 2021. Collection method: clinical testing. Allele origin: germline. Affected: yes.
Comment: Not observed at significant frequency in large population cohorts (gnomAD); In silico analysis supports that this missense variant has a deleterious effect on protein structure/function; This variant is associated with the following publications: (PMID: 31479088, 27460420)

Literature cited by the submitters: PubMed 27460420 (cited by Women's Health and Genetics/Laboratory Corporation of America, LabCorp and Labcorp Genetics (formerly Invitae), Labcorp); PubMed 31479088 (cited by Women's Health and Genetics/Laboratory Corporation of America, LabCorp).

NM_000260.4(MYO7A):c.3470T>A (p.Ile1157Asn)

Gene: MYO7A (myosin VIIA; plus strand). Cytogenetic location: 11q13.5.
Variant type: single nucleotide variant.
Coding change: c.3470T>A on transcript NM_000260.4 (MANE Select); coding-DNA position 3470, T replaced by A.
Protein change: p.Ile1157Asn; replaces isoleucine 1157 with asparagine.
Molecular consequence: missense variant.
Genome position (GRCh38, 1-based): chr11:77,184,682, T>A. VCF-style: chr11-77184682-T-A. GRCh37 (hg19) VCF-style: chr11-76895727-T-A.
Other names: c.3470T>A, p.Ile1157Asn (NM_001127180.2); c.3437T>A, p.Ile1146Asn (NM_001369365.1); short protein forms I1146N, I1157N.
Identifiers: ClinVar variation 2580433 (VCV002580433.5), dbSNP rs2497274904, ClinGen allele CA381946190.
Genomic context (GRCh38, chr11:77,184,682, plus strand): 5'-TGCAGGGCAACAGCATGCTGGAGGACCGGCCCACCTCCAACCTGGAGAAGCTGCACTTCA[T>A]CATCGGCAATGGCATCCTGCGGCCAGCACTCCGGTCAGTGCCGGGAGGCGGGGACACCAG-3'
Protein context (NP_000251.3, residues 1147-1167): PTSNLEKLHF[Ile1157Asn]IGNGILRPAL